The following is an entry in ClinVar:

NM_000492.4(CFTR):c.2044dup (p.Thr682fs)

Gene: CFTR (CF transmembrane conductance regulator; plus strand). Cytogenetic location: 7q31.2.
Variant type: Duplication.
Coding change: c.2044dup on transcript NM_000492.4 (MANE Select); coding-DNA position 2044, one base duplicated (A; older notation c.2044dupA).
Protein change: p.Thr682fs; shifts the reading frame from threonine 682.
Molecular consequence: frameshift variant.
Genome position (GRCh38, 1-based): chr7:117,592,211, A duplicated; the last of 3 consecutive A bases (chr7:117,592,209-117,592,211); duplicating any one gives the same sequence. VCF-style (leftmost placement, unchanged base first): chr7-117592208-G-GA. GRCh37 (hg19) VCF-style: chr7-117232262-G-GA.
Other names: short protein forms T682fs.
Identifiers: ClinVar variation 818159 (VCV000818159.1), dbSNP rs1554389346, ClinGen allele CA915945425.

ClinVar aggregate classification (germline): Pathogenic (1 of 4 stars; one submission).

Conditions:
Cystic fibrosis (CF). Also called: MUCOVISCIDOSIS. Identifiers: Orphanet 586, MedGen C0010674, MONDO:0009061, OMIM 219700. Disease mechanism: loss of function.
CFTR-related disorder (CFTR-RD). Also called: CFTR-related disorders; CFTR-related condition. Identifiers: MedGen C5924204, MONDO:7770004.

Submission:

CFTR-France
Classification: Pathogenic for cystic fibrosis; CFTR-related disorders. Last evaluated: 2018-01-29. Review status: criteria provided, single submitter. Criteria: Claustres M et al. (Hum Mutat 2017). Collection method: curation. Allele origin: germline. Affected: yes.
Comment: the variant causes a phenotype but regarding our data, we can't formally attribute it to CF, CFTR-RD or both